The following is an entry in ClinVar:

ClinVar aggregate classification (germline): Uncertain significance (1 of 4 stars; one submission).

Conditions:
Perlman syndrome (PRLMNS). Identifiers: Orphanet 2849, MedGen C0796113, MONDO:0009965, OMIM 267000.

Submission:

Labcorp Genetics (formerly Invitae), Labcorp
Classification: Uncertain significance for Perlman syndrome. Last evaluated: 2024-06-03. Review status: criteria provided, single submitter. Criteria: Invitae Variant Classification Sherloc (09022015). Collection method: clinical testing. Allele origin: germline.
Comment: This sequence change replaces aspartic acid, which is acidic and polar, with glycine, which is neutral and non-polar, at codon 130 of the DIS3L2 protein (p.Asp130Gly). This variant is not present in population databases (gnomAD no frequency). This variant has not been reported in the literature in individuals affected with DIS3L2-related conditions. An algorithm developed to predict the effect of missense changes on protein structure and function (PolyPhen-2) suggests that this variant is likely to be disruptive. In summary, the available evidence is currently insufficient to determine the role of this variant in disease. Therefore, it has been classified as a Variant of Uncertain Significance.

NM_152383.5(DIS3L2):c.389A>G (p.Asp130Gly)

Gene: DIS3L2 (DIS3 like 3'-5' exoribonuclease 2; plus strand). Cytogenetic location: 2q37.1.
Variant type: single nucleotide variant.
Coding change: c.389A>G on transcript NM_152383.5 (MANE Select); coding-DNA position 389, A replaced by G.
Protein change: p.Asp130Gly; replaces aspartic acid 130 with glycine.
Molecular consequence: missense variant. On other transcripts: non-coding transcript variant (2).
Genome position (GRCh38, 1-based): chr2:232,087,509, A>G. VCF-style: chr2-232087509-A-G. GRCh37 (hg19) VCF-style: chr2-232952219-A-G.
Other names: c.389A>G, p.Asp130Gly (NM_001257281.2, NM_001257282.2); short protein forms D130G.
Identifiers: ClinVar variation 2992147 (VCV002992147.3), dbSNP rs2469749413, ClinGen allele CA351154861.
Genomic context (GRCh38, chr2:232,087,509, plus strand): 5'-CTCTCAGTGATTTAGCAGAATTTTTCTGTTTTCTTTAGGTAGTTAAACCAGAGAGCAATG[A>G]CAAAGAAACAGAAGCTGCGTATGAATCAGATATCCCCGAGGAGCTCTGTGGACACCATCT-3'
Protein context (NP_689596.4, residues 120-140): HWKVVKPESN[Asp130Gly]KETEAAYESD